The following is an entry in ClinVar:

ClinVar aggregate classification (germline): Conflicting classifications of pathogenicity. Review status: criteria provided, conflicting classifications (1 of 4 stars). 4 submissions from 4 submitters: Uncertain significance (1); Benign (1); Likely benign (2). Last evaluated 2025-09-11.

Conditions:
Hereditary cancer-predisposing syndrome. Also called: Hereditary Cancer Syndrome; Hereditary neoplastic syndrome; Neoplastic Syndromes, Hereditary; Tumor predisposition. Identifiers: Orphanet 140162, MedGen C0027672, MeSH D009386, MONDO:0015356.
Multiple endocrine neoplasia, type 2 (MEN2). Identifiers: Orphanet 653, MedGen C4048306, MONDO:0019003. Disease mechanism: gain of function.
Multiple endocrine neoplasia type 2A. Also called: MULTIPLE ENDOCRINE NEOPLASIA, TYPE IIA; PTC SYNDROME; SIPPLE SYNDROME; MEN 2A; MEN-2A syndrome; Pheochromocytoma and amyloid producing medullary thyroid carcinoma. Identifiers: Orphanet 247698, Orphanet 653, MedGen C0025268, MeSH D018813, MONDO:0008234, OMIM 171400.

Submissions (4):

Color Diagnostics, LLC DBA Color Health
Classification: Likely benign for Multiple endocrine neoplasia, type 2. Last evaluated: 2025-09-11. Review status: criteria provided, single submitter. Criteria: ACMG Guidelines, 2015. Collection method: clinical testing. Allele origin: germline.

Myriad Genetics, Inc.
Classification: Benign for Multiple endocrine neoplasia type 2A. Last evaluated: 2025-02-25. Review status: criteria provided, single submitter. Criteria: Myriad Autosomal Dominant, Autosomal Recessive and X-Linked Classification Criteria (2023). Collection method: clinical testing. Allele origin: unknown.
Comment: This variant is considered benign. This variant is a silent/synonymous amino acid change and it is not expected to impact splicing.

Ambry Genetics
Classification: Likely benign for Hereditary cancer-predisposing syndrome. Last evaluated: 2022-05-25. Review status: criteria provided, single submitter. Criteria: Ambry Variant Classification Scheme 2023. Collection method: clinical testing. Allele origin: germline.

Sema4
Classification: Uncertain significance for Hereditary cancer-predisposing syndrome. Last evaluated: 2021-11-05. Review status: criteria provided, single submitter. Criteria: Sema4 Curation Guidelines. Collection method: curation. Allele origin: germline.
Comment: The RET c.1573C>A (p.R525=) variant has not been reported in the literature to our knowledge. It was not observed in the large and broad cohorts of the Genome Aggregation Database (PMID: 32461654), nor in ClinVar. The algorithms developed to predict the effect of sequence changes on RNA splicing suggest that the variant does not disrupt normal splicing, though these predictions have not been confirmed by transcriptional studies. The evidence is insufficient to meet ACMG/AMP criteria for classifying the variant as benign or pathogenic. Thus, the clinical significance of this variant is currently uncertain.

NM_020975.6(RET):c.1573C>A (p.Arg525=)

Gene: RET (ret proto-oncogene; plus strand). Cytogenetic location: 10q11.21.
Variant type: single nucleotide variant.
Coding change: c.1573C>A on transcript NM_020975.6 (MANE Select); coding-DNA position 1573, C replaced by A.
Protein change: p.Arg525=; no amino-acid change (arginine 525 retained).
Molecular consequence: synonymous variant.
Genome position (GRCh38, 1-based): chr10:43,112,149, C>A. VCF-style: chr10-43112149-C-A. GRCh37 (hg19) VCF-style: chr10-43607597-C-A.
Other names: c.1573C>A, p.Arg525= (NM_000323.2, NM_001406743.1, NM_001406744.1 and 6 more transcripts); c.811C>A, p.Arg271= (NM_001355216.2); c.1444C>A, p.Arg482= (NM_001406761.1, NM_001406762.1, NM_001406764.1 and 1 more transcripts); c.1285C>A, p.Arg429= (NM_001406766.1, NM_001406767.1, NM_001406770.1); c.1177C>A, p.Arg393= (NM_001406769.1, NM_001406772.1); c.1135C>A, p.Arg379= (NM_001406771.1, NM_001406773.1); c.1048C>A, p.Arg350= (NM_001406774.1); c.847C>A, p.Arg283= (NM_001406775.1, NM_001406776.1, NM_001406777.1 and 1 more transcripts); and 5 more.
Identifiers: ClinVar variation 1691912 (VCV001691912.5), dbSNP rs545625150, ClinGen allele CA469027630.